The following is an entry in ClinVar:

ClinVar aggregate classification (germline): Uncertain significance (1 of 4 stars; one submission).

Conditions:
Inborn genetic diseases. Identifiers: MedGen C0950123, MeSH D030342.

Submission:

Ambry Genetics
Classification: Uncertain significance for Inborn genetic diseases. Last evaluated: 2026-01-25. Review status: criteria provided, single submitter. Criteria: Ambry Variant Classification Scheme 2023. Collection method: clinical testing. Allele origin: germline.
Comment: The p.P1547Q variant (also known as c.4640C>A), located in coding exon 1 of the SAMD9L gene, results from a C to A substitution at nucleotide position 4640. The proline at codon 1547 is replaced by glutamine, an amino acid with similar properties. This amino acid position is conserved. In addition, this alteration is predicted to be tolerated by in silico analysis. Based on the available evidence, the clinical significance of this variant remains unclear.

NM_152703.5(SAMD9L):c.4640C>A (p.Pro1547Gln)

Gene: SAMD9L (sterile alpha motif domain containing 9 like; minus strand). Cytogenetic location: 7q21.2.
Variant type: single nucleotide variant.
Coding change: c.4640C>A on transcript NM_152703.5 (MANE Select); coding-DNA position 4640, C replaced by A.
Protein change: p.Pro1547Gln; replaces proline 1547 with glutamine.
Molecular consequence: missense variant.
Genome position (GRCh38, 1-based): chr7:93,131,332, G>T on the plus strand (C>A on the coding strand, the complement: SAMD9L is on the minus strand). VCF-style: chr7-93131332-G-T. GRCh37 (hg19) VCF-style: chr7-92760645-G-T.
Other names: c.4640C>A, p.Pro1547Gln (NM_001303496.3, NM_001303497.3, NM_001303498.3 and 5 more transcripts); short protein forms P1547Q.
Identifiers: ClinVar variation 4844810 (VCV004844810.1).